The following is an entry in ClinVar:

NM_004836.7(EIF2AK3):c.496C>T (p.Gln166Ter)

Gene: EIF2AK3 (eukaryotic translation initiation factor 2 alpha kinase 3; minus strand). Cytogenetic location: 2p11.2.
Variant type: single nucleotide variant.
Coding change: c.496C>T on transcript NM_004836.7 (MANE Select); coding-DNA position 496, C replaced by T.
Protein change: p.Gln166Ter; replaces glutamine 166 with a stop codon.
Molecular consequence: nonsense.
Genome position (GRCh38, 1-based): chr2:88,595,606, G>A on the plus strand (C>T on the coding strand, the complement: EIF2AK3 is on the minus strand). VCF-style: chr2-88595606-G-A. GRCh37 (hg19) VCF-style: chr2-88895124-G-A.
Other names: c.43C>T, p.Gln15Ter (NM_001313915.2); short protein forms Q15*, Q166*.
Identifiers: ClinVar variation 1458176 (VCV001458176.6), dbSNP rs755704498, ClinGen allele CA347596875.

ClinVar aggregate classification (germline): Pathogenic (1 of 4 stars; one submission).

Allele frequency attached by ClinVar (database versions not stated): TOPMed below 0.00001; gnomAD 0.00001.

Submission:

Labcorp Genetics (formerly Invitae), Labcorp
Classification: Pathogenic. Last evaluated: 2021-09-24. Review status: criteria provided, single submitter. Criteria: Invitae Variant Classification Sherloc (09022015). Collection method: clinical testing. Allele origin: germline.
Comment: This sequence change creates a premature translational stop signal (p.Gln166*) in the EIF2AK3 gene. It is expected to result in an absent or disrupted protein product. Loss-of-function variants in EIF2AK3 are known to be pathogenic (PMID: 11997520). This variant is not present in population databases (ExAC no frequency). This premature translational stop signal has been observed in individual(s) with neonatal diabetes (PMID: 24411943). This variant is also known as c.493C>T (p.Q165X). For these reasons, this variant has been classified as Pathogenic.

Literature cited by the submitters: PubMed 11997520; PubMed 24411943.